The following is an entry in ClinVar:

ClinVar aggregate classification (germline): Conflicting classifications of pathogenicity. Review status: criteria provided, conflicting classifications (1 of 4 stars). 7 submissions from 6 submitters: Uncertain significance (2); Likely benign (3). 2 of the submissions do not count toward it. Last evaluated 2026-01-25.

Conditions:
Immunodeficiency 105 (IMD105). Also called: Immunodeficiency 105, severe combined. Identifiers: MedGen C5677005, MONDO:0800104, OMIM 619924.
Immunodeficiency 104. Also called: Severe Combined Immune Deficiency, Autosomal Recessive, TCell -Negative, B Cell-Positive, NK Cell-Positive, IL7R-Related; SCID, AUTOSOMAL RECESSIVE, T CELL-NEGATIVE, B CELL-POSITIVE, NK CELL-POSITIVE; Severe combined immunodeficiency, autosomal recessive, T cell-negative, B cell-positive, NK cell-positive; IMMUNODEFICIENCY 104, SEVERE COMBINED. Identifiers: MedGen C5676890, MONDO:0012163, OMIM 608971.

Allele frequency attached by ClinVar (database versions not stated): 1000 Genomes Project 0.00020; 1000 Genomes Project 30x 0.00031; ESP Exome Variant Server 0.00031; ExAC 0.00038; gnomAD 0.00049 and 0.00051; gnomAD exomes 0.00049; TOPMed 0.00072.
gnomAD v4.1: 589 of 1,611,656 alleles (0.037%); highest among the groups gnomAD compares: Middle Eastern, 0.17%; 2 homozygotes.

Submissions (7):

Labcorp Genetics (formerly Invitae), Labcorp
Classification: Likely benign for Immunodeficiency 104. Last evaluated: 2026-01-25. Review status: criteria provided, single submitter. Criteria: Invitae Variant Classification Sherloc (09022015). Collection method: clinical testing. Allele origin: germline.

Blueprint Genetics
Classification: Likely benign. Last evaluated: 2024-11-18. Review status: criteria provided, single submitter. Criteria: ACMG Guidelines, 2015. Collection method: clinical testing. Allele origin: germline.

CeGaT Center for Human Genetics Tuebingen
Classification: Likely benign. Last evaluated: 2022-08-01. Review status: criteria provided, single submitter. Criteria: CeGaT Center For Human Genetics Tuebingen Variant Classification Criteria Version 2. Collection method: clinical testing. Allele origin: germline. Affected: yes. Observed: 2 variant alleles.
Comment: PTPRC: BP4

Center for Genomics, Ann and Robert H. Lurie Children's Hospital of Chicago
Classification: Uncertain significance for Immunodeficiency 105. Last evaluated: 2021-03-30. Review status: criteria provided, single submitter. Criteria: ACMG Guidelines, 2015. Collection method: clinical testing. Allele origin: germline.
Comment: PTPRC NM_002838.4 exon 29 c.3073-6A>G: This variant has not been reported in the literature and is present in 0.6% (64/10358) of Ashkenazi Jewish alleles in the Genome Aggregation Database. This variant is present in ClinVar (Variation ID:533069). Evolutionary conservation and computational predictive tools for this variant are limited or unavailable. This variant is an intronic variant with no predicted change in the amino acid sequence but may have an unknown effect on splicing. Further studies are needed to understand its impact. In summary, data on this variant is insufficient for disease classification. Therefore, the clinical significance of this variant is uncertain.

Center for Genomics, Ann and Robert H. Lurie Children's Hospital of Chicago
Classification: Uncertain significance for Immunodeficiency 104. Last evaluated: 2018-11-09. Review status: criteria provided, single submitter. Criteria: ACMG Guidelines, 2015. Collection method: clinical testing. Allele origin: germline.
Comment: the same text as in the submission from Center for Genomics, Ann and Robert H. Lurie Children's Hospital of Chicago above.

Clinical Genetics DNA and cytogenetics Diagnostics Lab, Erasmus MC, Erasmus Medical Center
Classification: Likely benign. Review status: no assertion criteria provided. Collection method: clinical testing. Allele origin: germline. Affected: yes. Study: VKGL Data-share Consensus. Not counted in ClinVar's aggregate classification.

Genome Diagnostics Laboratory, University Medical Center Utrecht
Classification: Likely benign. Review status: no assertion criteria provided. Collection method: clinical testing. Allele origin: germline. Affected: yes. Study: VKGL Data-share Consensus. Not counted in ClinVar's aggregate classification.

NM_002838.5(PTPRC):c.3073-6A>G

Gene: PTPRC (protein tyrosine phosphatase receptor type C; plus strand). Cytogenetic location: 1q32.1.
Variant type: single nucleotide variant.
Coding change: c.3073-6A>G on transcript NM_002838.5 (MANE Select); 6 bases into the intron before coding-DNA position 3073, A replaced by G.
Molecular consequence: intron variant.
Genome position (GRCh38, 1-based): chr1:198,750,486, A>G. VCF-style: chr1-198750486-A-G. GRCh37 (hg19) VCF-style: chr1-198719615-A-G.
Other names: c.2590-6A>G (NM_080921.4).
Identifiers: ClinVar variation 533069 (VCV000533069.41), dbSNP rs191867796, ClinGen allele CA1315350.